The following is an entry in ClinVar:

ClinVar aggregate classification (germline): Uncertain significance (1 of 4 stars; one submission).

Submission:

Labcorp Genetics (formerly Invitae), Labcorp
Classification: Uncertain significance. Last evaluated: 2022-01-06. Review status: criteria provided, single submitter. Criteria: Invitae Variant Classification Sherloc (09022015). Collection method: clinical testing. Allele origin: germline.
Comment: This variant has not been reported in the literature in individuals affected with ATR-related conditions. This sequence change replaces isoleucine, which is neutral and non-polar, with valine, which is neutral and non-polar, at codon 1569 of the ATR protein (p.Ile1569Val). This variant is not present in population databases (gnomAD no frequency). Algorithms developed to predict the effect of missense changes on protein structure and function (SIFT, PolyPhen-2, Align-GVGD) all suggest that this variant is likely to be tolerated. In summary, the available evidence is currently insufficient to determine the role of this variant in disease. Therefore, it has been classified as a Variant of Uncertain Significance.

NM_001184.4(ATR):c.4705A>G (p.Ile1569Val)

Gene: ATR (ATR checkpoint kinase; minus strand). Cytogenetic location: 3q23.
Variant type: single nucleotide variant.
Coding change: c.4705A>G on transcript NM_001184.4 (MANE Select); coding-DNA position 4705, A replaced by G.
Protein change: p.Ile1569Val; replaces isoleucine 1569 with valine.
Molecular consequence: missense variant.
Genome position (GRCh38, 1-based): chr3:142,512,407, T>C on the plus strand (A>G on the coding strand, the complement: ATR is on the minus strand). VCF-style: chr3-142512407-T-C. GRCh37 (hg19) VCF-style: chr3-142231249-T-C.
Other names: c.4513A>G, p.Ile1505Val (NM_001354579.2); short protein forms I1505V, I1569V.
Identifiers: ClinVar variation 2188802 (VCV002188802.4), dbSNP rs2108372178, ClinGen allele CA354795606.
Genomic context (GRCh38, chr3:142,512,407, plus strand): 5'-TGAGATGGTCAAGCATGGAGAACACAGTCTGTGTACTGAGTTGACACAGATCAGATGCAA[T>C]GTCTTGGGTATTTATGGTATGCTGATCGTCATGCTTTAGAACTGCCATAATTTCTGCATA-3'
Protein context (NP_001175.2, residues 1559-1579): DDQHTINTQD[Ile1569Val]ASDLCQLSTQ